The following is an entry in ClinVar:

ClinVar aggregate classification (germline): Uncertain significance (1 of 4 stars; one submission).

Conditions:
Hereditary cancer-predisposing syndrome. Also called: Tumor predisposition; Neoplastic Syndromes, Hereditary; Hereditary neoplastic syndrome; Hereditary Cancer Syndrome. Identifiers: Orphanet 140162, MedGen C0027672, MeSH D009386, MONDO:0015356.

Submission:

Ambry Genetics
Classification: Uncertain significance for Hereditary cancer-predisposing syndrome. Last evaluated: 2025-08-30. Review status: criteria provided, single submitter. Criteria: Ambry Variant Classification Scheme 2023. Collection method: clinical testing. Allele origin: germline.
Comment: The p.N1016S variant (also known as c.3047A>G), located in coding exon 13 of the MET gene, results from an A to G substitution at nucleotide position 3047. The asparagine at codon 1016 is replaced by serine, an amino acid with highly similar properties. This amino acid position is conserved. In addition, this alteration is predicted to be tolerated by in silico analysis. Based on the available evidence, the clinical significance of this variant remains unclear.

NM_000245.4(MET):c.2993A>G (p.Asn998Ser)

Gene: MET (MET proto-oncogene, receptor tyrosine kinase; plus strand). Cytogenetic location: 7q31.2.
Variant type: single nucleotide variant.
Coding change: c.2993A>G on transcript NM_000245.4 (MANE Select); coding-DNA position 2993, A replaced by G.
Protein change: p.Asn998Ser; replaces asparagine 998 with serine.
Molecular consequence: missense variant.
Genome position (GRCh38, 1-based): chr7:116,771,954, A>G. VCF-style: chr7-116771954-A-G. GRCh37 (hg19) VCF-style: chr7-116412008-A-G.
Other names: c.3047A>G, p.Asn1016Ser (NM_001127500.3); c.1703A>G, p.Asn568Ser (NM_001324402.2); short protein forms N1016S, N998S, N568S.
Identifiers: ClinVar variation 4106807 (VCV004106807.1).
Genomic context (GRCh38, chr7:116,771,954, plus strand): 5'-CTCATTTGGATAGGCTTGTAAGTGCCCGAAGTGTAAGCCCAACTACAGAAATGGTTTCAA[A>G]TGAATCTGTAGACTACCGAGCTACTTTTCCAGAAGGTATATTTCAGTTTATTGTTCTGAG-3'
Protein context (NP_000236.2, residues 988-1008): SVSPTTEMVS[Asn998Ser]ESVDYRATFP